The following is an entry in ClinVar:

NM_032888.4(COL27A1):c.2819G>A (p.Gly940Glu)

Gene: COL27A1 (collagen type XXVII alpha 1 chain; plus strand). Cytogenetic location: 9q32.
Variant type: single nucleotide variant.
Coding change: c.2819G>A on transcript NM_032888.4 (MANE Select); coding-DNA position 2819, G replaced by A.
Protein change: p.Gly940Glu; replaces glycine 940 with glutamic acid.
Molecular consequence: missense variant.
Genome position (GRCh38, 1-based): chr9:114,240,471, G>A. VCF-style: chr9-114240471-G-A. GRCh37 (hg19) VCF-style: chr9-117002751-G-A.
Other names: short protein forms G940E.
Identifiers: ClinVar variation 2177545 (VCV002177545.1), dbSNP rs1204862081, ClinGen allele CA374591157.
Genomic context (GRCh38, chr9:114,240,471, plus strand): 5'-CCTTTTTGTTCCCTTCTCCCCAGGGTAAGCCTGGAGCCCGAGGCCTGCCGGGACCCCGTG[G>A]GCAGCTGGGGCCCGAGGTGAGACTGTCTGGCCCCCTCCACTGCCCATCCTGGCCTGATTG-3'
Protein context (NP_116277.2, residues 930-950): PGARGLPGPR[Gly940Glu]QLGPEGDEGP

ClinVar aggregate classification (germline): Uncertain significance (1 of 4 stars; one submission).

Allele frequency attached by ClinVar (database versions not stated): gnomAD 0.00001; gnomAD exomes 0.00001; TOPMed 0.00001.
gnomAD v4.1: 14 of 1,611,670 alleles (0.00087%); highest among the groups gnomAD compares: Admixed American, 0.005%; no homozygotes.

Submission:

Labcorp Genetics (formerly Invitae), Labcorp
Classification: Uncertain significance. Last evaluated: 2022-07-13. Review status: criteria provided, single submitter. Criteria: Invitae Variant Classification Sherloc (09022015). Collection method: clinical testing. Allele origin: germline.
Comment: This sequence change replaces glycine, which is neutral and non-polar, with glutamic acid, which is acidic and polar, at codon 940 of the COL27A1 protein (p.Gly940Glu). This variant is present in population databases (no rsID available, gnomAD 0.003%). This variant has not been reported in the literature in individuals affected with COL27A1-related conditions. Advanced modeling of protein sequence and biophysical properties (such as structural, functional, and spatial information, amino acid conservation, physicochemical variation, residue mobility, and thermodynamic stability) performed at Invitae indicates that this missense variant is expected to disrupt COL27A1 protein function. In summary, the available evidence is currently insufficient to determine the role of this variant in disease. Therefore, it has been classified as a Variant of Uncertain Significance.